The following is an entry in ClinVar:

NM_005199.5(CHRNG):c.798T>G (p.Pro266=)

Gene: CHRNG (cholinergic receptor nicotinic gamma subunit; plus strand). Cytogenetic location: 2q37.1.
Variant type: single nucleotide variant.
Coding change: c.798T>G on transcript NM_005199.5 (MANE Select); coding-DNA position 798, T replaced by G.
Protein change: p.Pro266=; no amino-acid change (proline 266 retained).
Molecular consequence: synonymous variant.
Genome position (GRCh38, 1-based): chr2:232,543,075, T>G. VCF-style: chr2-232543075-T-G. GRCh37 (hg19) VCF-style: chr2-233407785-T-G.
Other names: c.798T>G (NM_005199.4).
Identifiers: ClinVar variation 2722142 (VCV002722142.5), dbSNP rs746910885, ClinGen allele CA2168791.

ClinVar aggregate classification (germline): Likely benign. Review status: criteria provided, single submitter (1 of 4 stars). 2 submissions from 2 submitters: Likely benign (1). 1 of the submissions does not count toward it. Last evaluated 2023-07-13.

Conditions:
CHRNG-related disorder. Also called: CHRNG-related condition; CHRNG-related disorders.

Allele frequency attached by ClinVar (database versions not stated): ExAC 0.00001; TOPMed 0.00001; gnomAD exomes 0.00002.
gnomAD v4.1: 24 of 1,614,062 alleles (0.0015%); highest among the groups gnomAD compares: Non-Finnish European, 0.002%; no homozygotes.

Submissions (2):

Labcorp Genetics (formerly Invitae), Labcorp
Classification: Likely benign. Last evaluated: 2023-07-13. Review status: criteria provided, single submitter. Criteria: Invitae Variant Classification Sherloc (09022015). Collection method: clinical testing. Allele origin: germline.

PreventionGenetics, part of Exact Sciences
Classification: Likely benign for CHRNG-related condition. Last evaluated: 2019-06-25. Review status: no assertion criteria provided. Collection method: clinical testing. Allele origin: germline. Not counted in ClinVar's aggregate classification.
Comment: This variant is classified as likely benign based on ACMG/AMP sequence variant interpretation guidelines (Richards et al. 2015 PMID: 25741868, with internal and published modifications).